The following is an entry in ClinVar:

NM_005235.3(ERBB4):c.2567A>T (p.His856Leu)

Gene: ERBB4 (erb-b2 receptor tyrosine kinase 4; minus strand). Cytogenetic location: 2q34.
Variant type: single nucleotide variant.
Coding change: c.2567A>T on transcript NM_005235.3 (MANE Select); coding-DNA position 2567, A replaced by T.
Protein change: p.His856Leu; replaces histidine 856 with leucine.
Molecular consequence: missense variant.
Genome position (GRCh38, 1-based): chr2:211,431,021, T>A on the plus strand (A>T on the coding strand, the complement: ERBB4 is on the minus strand). VCF-style: chr2-211431021-T-A. GRCh37 (hg19) VCF-style: chr2-212295746-T-A.
Other names: c.2567A>T, p.His856Leu (NM_001042599.2); c.2537A>T, p.His846Leu (NM_001439005.1, NM_001439006.1); short protein forms H856L, H846L.
Identifiers: ClinVar variation 4760894 (VCV004760894.1).

ClinVar aggregate classification (germline): Uncertain significance (1 of 4 stars; one submission).

gnomAD v4.1: 6 of 1,613,774 alleles (0.00037%); highest among the groups gnomAD compares: Admixed American, 0.01%; no homozygotes.

Submission:

Labcorp Genetics (formerly Invitae), Labcorp
Classification: Uncertain significance. Last evaluated: 2025-05-04. Review status: criteria provided, single submitter. Criteria: Invitae Variant Classification Sherloc (09022015). Collection method: clinical testing. Allele origin: germline.
Comment: This sequence change replaces histidine, which is basic and polar, with leucine, which is neutral and non-polar, at codon 856 of the ERBB4 protein (p.His856Leu). This variant is present in population databases (rs769106767, gnomAD 0.02%). This variant has not been reported in the literature in individuals affected with ERBB4-related conditions. Invitae Evidence Modeling of protein sequence and biophysical properties (such as structural, functional, and spatial information, amino acid conservation, physicochemical variation, residue mobility, and thermodynamic stability) has been performed for this missense variant. However, the output from this modeling did not meet the statistical confidence thresholds required to predict the impact of this variant on ERBB4 protein function. In summary, the available evidence is currently insufficient to determine the role of this variant in disease. Therefore, it has been classified as a Variant of Uncertain Significance.